The following is an entry in ClinVar:

NM_172107.4(KCNQ2):c.554C>T (p.Ala185Val)

Gene: KCNQ2 (potassium voltage-gated channel subfamily Q member 2; minus strand). Cytogenetic location: 20q13.33.
Variant type: single nucleotide variant.
Coding change: c.554C>T on transcript NM_172107.4 (MANE Select); coding-DNA position 554, C replaced by T.
Protein change: p.Ala185Val; replaces alanine 185 with valine.
Molecular consequence: missense variant.
Genome position (GRCh38, 1-based): chr20:63,444,795, G>A on the plus strand (C>T on the coding strand, the complement: KCNQ2 is on the minus strand). VCF-style: chr20-63444795-G-A. GRCh37 (hg19) VCF-style: chr20-62076148-G-A.
Other names: c.554C>T, p.Ala185Val (NM_004518.6, NM_172106.3, NM_172108.5 and 1 more transcripts); short protein forms A185V.
Identifiers: ClinVar variation 429684 (VCV000429684.2), dbSNP rs1131691529, ClinGen allele CA409654894.
Genomic context (GRCh38, chr20:63,444,795, plus strand): 5'-ATCTGCAGGAAGCGCAGGCTCCGGAGCGCAGATGTGGCAAAGACGTTGCCCTGGGAGCCG[G>A]CGGCCAGCACCGCAATGGAGGCGATGAGCACCATGATGTCTACAAAGCGGGCGTGGAGCT-3'
Protein context (NP_742105.1, residues 175-195): VLIASIAVLA[Ala185Val]GSQGNVFATS

ClinVar aggregate classification (germline): Uncertain significance (1 of 4 stars; one submission).

gnomAD v4.1: 1 of 1,608,108 alleles (0.000062%); no homozygotes.

Submission:

GeneDx
Classification: Uncertain significance. Last evaluated: 2017-05-11. Review status: criteria provided, single submitter. Criteria: GeneDx Variant Classification (06012015). Collection method: clinical testing. Allele origin: germline. Affected: yes.
Comment: A variant of uncertain significance has been identified in the KCNQ2 gene. The A185V variant has not been published as a pathogenic variant, nor has it been reported as a benign variant to our knowledge. The A185V variant is not observed in large population cohorts (Lek et al., 2016; 1000 Genomes Consortium et al., 2015; Exome Variant Server). This substitution occurs at a conserved position predicted to be within the transmembrane segment S3. In silico analysis predicts this variant is probably damaging to the protein structure/function. However, the A185V variant is a conservative amino acid substitution, which is not likely to impact secondary protein structure as these residues share similar properties. Therefore, based on the currently available information, it is unclear whether this variant is a pathogenic variant or a rare benign variant.